The following is an entry in ClinVar:

NM_032119.4(ADGRV1):c.5620A>G (p.Ser1874Gly)

Gene: ADGRV1 (adhesion G protein-coupled receptor V1; plus strand). Cytogenetic location: 5q14.3.
Variant type: single nucleotide variant.
Coding change: c.5620A>G on transcript NM_032119.4 (MANE Select); coding-DNA position 5620, A replaced by G.
Protein change: p.Ser1874Gly; replaces serine 1874 with glycine.
Molecular consequence: missense variant. On other transcripts: non-coding transcript variant (1).
Genome position (GRCh38, 1-based): chr5:90,681,410, A>G. VCF-style: chr5-90681410-A-G. GRCh37 (hg19) VCF-style: chr5-89977227-A-G.
Other names: short protein forms S1874G.
Identifiers: ClinVar variation 1094175 (VCV001094175.13), dbSNP rs539129992, ClinGen allele CA3339626.

ClinVar aggregate classification (germline): Conflicting classifications of pathogenicity. Review status: criteria provided, conflicting classifications (1 of 4 stars). 4 submissions from 4 submitters: Uncertain significance (1); Likely benign (3). Last evaluated 2026-01-24.

Conditions:
ADGRV1-related disorder. Also called: ADGRV1-related condition; ADGRV1-related disorders.

Allele frequency attached by ClinVar (database versions not stated): gnomAD 0.00010 and 0.00011; TOPMed 0.00015; ExAC 0.00019; gnomAD exomes 0.00022; 1000 Genomes Project 30x 0.00031.
gnomAD v4.1: 101 of 1,613,878 alleles (0.0063%); highest among the groups gnomAD compares: East Asian, 0.21%; no homozygotes.

Submissions (4):

Labcorp Genetics (formerly Invitae), Labcorp
Classification: Likely benign. Last evaluated: 2026-01-24. Review status: criteria provided, single submitter. Criteria: Invitae Variant Classification Sherloc (09022015). Collection method: clinical testing. Allele origin: germline.

PreventionGenetics, part of Exact Sciences
Classification: Likely benign for ADGRV1-related condition. Last evaluated: 2025-04-04. Review status: criteria provided, single submitter. Criteria: ACMG Guidelines, 2015. Collection method: clinical testing. Allele origin: germline.
Comment: This variant is classified as likely benign based on ACMG/AMP sequence variant interpretation guidelines (Richards et al. 2015 PMID: 25741868, with internal and published modifications).

Blueprint Genetics
Classification: Uncertain significance. Last evaluated: 2024-04-22. Review status: criteria provided, single submitter. Criteria: ACMG Guidelines, 2015. Collection method: clinical testing. Allele origin: germline.

GeneDx
Classification: Likely benign. Last evaluated: 2018-10-17. Review status: criteria provided, single submitter. Criteria: GeneDx Variant Classification Process June 2021. Collection method: clinical testing. Allele origin: germline. Affected: yes.